The following is an entry in ClinVar:

NM_016026.4(RDH11):c.585C>G (p.Phe195Leu)

Genes: GPHN (gephyrin; plus strand), RDH11 (retinol dehydrogenase 11; minus strand). Cytogenetic location: 14q24.1.
Variant type: single nucleotide variant.
Coding change: c.585C>G on transcript NM_016026.4 (MANE Select); coding-DNA position 585, C replaced by G.
Protein change: p.Phe195Leu; replaces phenylalanine 195 with leucine.
Molecular consequence: missense variant. On other transcripts: intron variant (1).
Genome position (GRCh38, 1-based): chr14:67,690,291, G>C on the plus strand (C>G on the coding strand, the complement: RDH11 is on the minus strand). VCF-style: chr14-67690291-G-C. GRCh37 (hg19) VCF-style: chr14-68157008-G-C.
Other names: c.454+849C>G (NM_001252650.2); short protein forms F195L.
Identifiers: ClinVar variation 1963492 (VCV001963492.5), dbSNP rs538057863, ClinGen allele CA262795132.

ClinVar aggregate classification (germline): Uncertain significance (1 of 4 stars; one submission).

Allele frequency attached by ClinVar (database versions not stated): gnomAD exomes below 0.00001; gnomAD 0.00001.
gnomAD v4.1: 3 of 1,614,050 alleles (0.00019%); highest among the groups gnomAD compares: Non-Finnish European, 0.00025%; no homozygotes.

Submission:

Labcorp Genetics (formerly Invitae), Labcorp
Classification: Uncertain significance. Last evaluated: 2022-02-09. Review status: criteria provided, single submitter. Criteria: Invitae Variant Classification Sherloc (09022015). Collection method: clinical testing. Allele origin: germline.
Comment: In summary, the available evidence is currently insufficient to determine the role of this variant in disease. Therefore, it has been classified as a Variant of Uncertain Significance. Algorithms developed to predict the effect of missense changes on protein structure and function (SIFT, PolyPhen-2, Align-GVGD) all suggest that this variant is likely to be tolerated. This variant has not been reported in the literature in individuals affected with RDH11-related conditions. This variant is not present in population databases (gnomAD no frequency). This sequence change replaces phenylalanine, which is neutral and non-polar, with leucine, which is neutral and non-polar, at codon 195 of the RDH11 protein (p.Phe195Leu).